The following is an entry in ClinVar:

NM_006231.4(POLE):c.3464A>G (p.Lys1155Arg)

Gene: POLE (DNA polymerase epsilon, catalytic subunit; minus strand). Cytogenetic location: 12q24.33.
Variant type: single nucleotide variant.
Coding change: c.3464A>G on transcript NM_006231.4 (MANE Select); coding-DNA position 3464, A replaced by G.
Protein change: p.Lys1155Arg; replaces lysine 1155 with arginine.
Molecular consequence: missense variant.
Genome position (GRCh38, 1-based): chr12:132,657,254, T>C on the plus strand (A>G on the coding strand, the complement: POLE is on the minus strand). VCF-style: chr12-132657254-T-C. GRCh37 (hg19) VCF-style: chr12-133233840-T-C.
Other names: short protein forms K1155R.
Identifiers: ClinVar variation 2115202 (VCV002115202.4), dbSNP rs2542000258, ClinGen allele CA387388825.

ClinVar aggregate classification (germline): Uncertain significance (1 of 4 stars; one submission).

Submission:

Labcorp Genetics (formerly Invitae), Labcorp
Classification: Uncertain significance. Last evaluated: 2023-09-27. Review status: criteria provided, single submitter. Criteria: Invitae Variant Classification Sherloc (09022015). Collection method: clinical testing. Allele origin: germline.
Comment: This sequence change replaces lysine, which is basic and polar, with arginine, which is basic and polar, at codon 1155 of the POLE protein (p.Lys1155Arg). This variant is not present in population databases (gnomAD no frequency). This variant has not been reported in the literature in individuals affected with POLE-related conditions. ClinVar contains an entry for this variant (Variation ID: 2115202). Advanced modeling of protein sequence and biophysical properties (such as structural, functional, and spatial information, amino acid conservation, physicochemical variation, residue mobility, and thermodynamic stability) performed at Invitae indicates that this missense variant is not expected to disrupt POLE protein function. In summary, the available evidence is currently insufficient to determine the role of this variant in disease. Therefore, it has been classified as a Variant of Uncertain Significance.